The following is an entry in ClinVar:

NM_001164586.2(IGFN1):c.5121G>A (p.Glu1707=)

Gene: IGFN1 (immunoglobulin like and fibronectin type III domain containing 1; plus strand). Cytogenetic location: 1q32.1.
Variant type: single nucleotide variant.
Coding change: c.5121G>A on transcript NM_001164586.2 (MANE Select); coding-DNA position 5121, G replaced by A.
Protein change: p.Glu1707=; no amino-acid change (glutamic acid 1707 retained).
Molecular consequence: synonymous variant. On other transcripts: intron variant (1).
Genome position (GRCh38, 1-based): chr1:201,210,014, G>A. VCF-style: chr1-201210014-G-A. GRCh37 (hg19) VCF-style: chr1-201179142-G-A.
Other names: c.1242-3492G>A (NM_001367841.1).
Identifiers: ClinVar variation 3898289 (VCV003898289.7).

ClinVar aggregate classification (germline): Likely benign (1 of 4 stars; one submission).

Submission:

CeGaT Center for Human Genetics Tuebingen
Classification: Likely benign. Last evaluated: 2025-04-01. Review status: criteria provided, single submitter. Criteria: CeGaT Center For Human Genetics Tuebingen Variant Classification Criteria Version 2. Collection method: clinical testing. Allele origin: germline. Affected: yes. Observed: 1 variant allele.
Comment: IGFN1: BP4, BP7